The following is an entry in ClinVar:

ClinVar aggregate classification (germline): Likely pathogenic. Review status: criteria provided, multiple submitters, no conflicts (2 of 4 stars). 2 submissions from 2 submitters: Likely pathogenic (2). Last evaluated 2025-10-31.

Conditions:
Colorectal carcinoma. Identifiers: MedGen C0009402, MONDO:0024331.

Submissions (2):

Labcorp Genetics (formerly Invitae), Labcorp
Classification: Likely pathogenic. Last evaluated: 2025-10-31. Review status: criteria provided, single submitter. Criteria: Invitae Variant Classification Sherloc (09022015). Collection method: clinical testing. Allele origin: germline.
Comment: This sequence change replaces proline, which is neutral and non-polar, with serine, which is neutral and polar, at codon 436 of the POLE protein (p.Pro436Ser). This variant is not present in population databases (gnomAD no frequency). This missense change has been observed in individuals with POLE-related conditions (PMID: 25529843, 32424176; internal data). ClinVar contains an entry for this variant (Variation ID: 928703). Invitae Evidence Modeling of protein sequence and biophysical properties (such as structural, functional, and spatial information, amino acid conservation, physicochemical variation, residue mobility, and thermodynamic stability) indicates that this missense variant is expected to disrupt POLE protein function with a positive predictive value of 80%. Experimental studies have shown that this missense change affects POLE function (PMID: 32424176). This variant disrupts the p.Pro436 amino acid residue in POLE. Other variant(s) that disrupt this residue have been determined to be pathogenic (PMID: 25224212, 30608896; internal data). This suggests that this residue is clinically significant, and that variants that disrupt this residue are likely to be disease-causing. In summary, the currently available evidence indicates that the variant is pathogenic, but additional data are needed to prove that conclusively. Therefore, this variant has been classified as Likely Pathogenic.

Women's Health and Genetics/Laboratory Corporation of America, LabCorp
Classification: Likely pathogenic for Colorectal carcinoma. Last evaluated: 2024-02-01. Review status: criteria provided, single submitter. Criteria: LabCorp Variant Classification Summary - May 2015. Collection method: clinical testing. Allele origin: germline.
Comment: Variant summary: POLE c.1306C>T (p.Pro436Ser) results in a non-conservative amino acid change located in the exonuclease domain (Spier_2015) of the encoded protein sequence. Five of five in-silico tools predict a damaging effect of the variant on protein function. The variant was absent in 251188 control chromosomes. These data indicate that the variant may be associated with disease. One publication reports experimental evidence evaluating an impact on protein function by measuring spontaneous variant rate in a Yeast system, however, does not allow convincing conclusions about the variant effect (Hamzaoui_2020). The following publications have been ascertained in the context of this evaluation (PMID: 29120461, 28423643, 32424176, 30503519, 28117753, 28776572, 26822575, 29301327, 25529843). ClinVar contains an entry for this variant (Variation ID: 928703). Based on the evidence outlined above, the variant was classified as likely pathogenic.

Literature cited by the submitters: PubMed 25529843 (cited by Labcorp Genetics (formerly Invitae), Labcorp and Women's Health and Genetics/Laboratory Corporation of America, LabCorp); PubMed 32424176 (cited by Labcorp Genetics (formerly Invitae), Labcorp and Women's Health and Genetics/Laboratory Corporation of America, LabCorp); PubMed 25224212 (cited by Labcorp Genetics (formerly Invitae), Labcorp); PubMed 30608896 (cited by Labcorp Genetics (formerly Invitae), Labcorp); PubMed 29120461 (cited by Women's Health and Genetics/Laboratory Corporation of America, LabCorp); PubMed 28423643 (cited by Women's Health and Genetics/Laboratory Corporation of America, LabCorp); PubMed 30503519 (cited by Women's Health and Genetics/Laboratory Corporation of America, LabCorp); PubMed 28117753 (cited by Women's Health and Genetics/Laboratory Corporation of America, LabCorp); PubMed 28776572 (cited by Women's Health and Genetics/Laboratory Corporation of America, LabCorp); PubMed 26822575 (cited by Women's Health and Genetics/Laboratory Corporation of America, LabCorp); PubMed 29301327 (cited by Women's Health and Genetics/Laboratory Corporation of America, LabCorp).

NM_006231.4(POLE):c.1306C>T (p.Pro436Ser)

Gene: POLE (DNA polymerase epsilon, catalytic subunit; minus strand). Cytogenetic location: 12q24.33.
Variant type: single nucleotide variant.
Coding change: c.1306C>T on transcript NM_006231.4 (MANE Select); coding-DNA position 1306, C replaced by T.
Protein change: p.Pro436Ser; replaces proline 436 with serine.
Molecular consequence: missense variant.
Genome position (GRCh38, 1-based): chr12:132,673,628, G>A on the plus strand (C>T on the coding strand, the complement: POLE is on the minus strand). VCF-style: chr12-132673628-G-A. GRCh37 (hg19) VCF-style: chr12-133250214-G-A.
Other names: short protein forms P436S.
Identifiers: ClinVar variation 928703 (VCV000928703.4), dbSNP rs1565973210, ClinGen allele CA16040591.